The following is an entry in ClinVar:

ClinVar aggregate classification (germline): Benign/Likely benign. Review status: criteria provided, multiple submitters, no conflicts (2 of 4 stars). 4 submissions from 2 submitters: Benign (3); Likely benign (1). Last evaluated 2022-03-02.

Conditions:
Cerebrooculofacioskeletal syndrome 1 (COFS1). Also called: Cerebro-oculo-facio-skeletal syndrome 1. Identifiers: MedGen C0220722, MONDO:0008955, OMIM 214150.
Age related macular degeneration 5. Identifiers: MedGen C3151063, MONDO:0013409, OMIM 613761.
Cockayne syndrome type 2 (CSB). Also called: Cockayne Syndrome, Type II; COCKAYNE SYNDROME B. Identifiers: Orphanet 191, Orphanet 90322, MedGen C0751038, MONDO:0019570, OMIM 133540.

Allele frequency attached by ClinVar (database versions not stated): gnomAD 0.01292 and 0.01395; 1000 Genomes Project 0.01338; 1000 Genomes Project 30x 0.01437; TOPMed 0.01507.

Submissions (4):

GeneDx
Classification: Likely benign. Last evaluated: 2022-03-02. Review status: criteria provided, single submitter. Criteria: GeneDx Variant Classification Process June 2021. Collection method: clinical testing. Allele origin: germline. Affected: yes.

Illumina Laboratory Services, Illumina
Classification: Benign for Cockayne syndrome type 2. Last evaluated: 2018-01-13. Review status: criteria provided, single submitter. Criteria: ICSL Variant Classification Criteria 13 December 2019. Collection method: clinical testing. Allele origin: germline.
Comment: This variant was observed in the ICSL laboratory as part of a predisposition screen in an ostensibly healthy population. It had not been previously curated by ICSL or reported in the Human Gene Mutation Database (HGMD: prior to June 1st, 2018), and was therefore a candidate for classification through an automated scoring system. Utilizing variant allele frequency, disease prevalence and penetrance estimates, and inheritance mode, an automated score was calculated to assess if this variant is too frequent to cause the disease. Based on the score and internal cut-off values, a variant classified as benign is not then subjected to further curation. The score for this variant resulted in a classification of benign for this disease.

Illumina Laboratory Services, Illumina
Classification: Benign for Cerebrooculofacioskeletal syndrome 1. Last evaluated: 2018-01-13. Review status: criteria provided, single submitter. Criteria: ICSL Variant Classification Criteria 13 December 2019. Collection method: clinical testing. Allele origin: germline.
Comment: the same text as in the submission from Illumina Laboratory Services, Illumina above.

Illumina Laboratory Services, Illumina
Classification: Benign for Age related macular degeneration 5. Last evaluated: 2018-01-13. Review status: criteria provided, single submitter. Criteria: ICSL Variant Classification Criteria 13 December 2019. Collection method: clinical testing. Allele origin: germline.
Comment: the same text as in the submission from Illumina Laboratory Services, Illumina above.

NM_000124.4(ERCC6):c.*2137A>G

Gene: ERCC6 (ERCC excision repair 6, chromatin remodeling factor; minus strand). Cytogenetic location: 10q11.23.
Variant type: single nucleotide variant.
Coding change: c.*2137A>G on transcript NM_000124.4 (MANE Select); 2137 bases downstream of the stop codon, A replaced by G.
Molecular consequence: 3 prime UTR variant.
Genome position (GRCh38, 1-based): chr10:49,456,678, T>C on the plus strand (A>G on the coding strand, the complement: ERCC6 is on the minus strand). VCF-style: chr10-49456678-T-C. GRCh37 (hg19) VCF-style: chr10-50664724-T-C.
Other names: c.*2137A>G (NM_001346440.2).
Identifiers: ClinVar variation 300003 (VCV000300003.6), dbSNP rs114723899, ClinGen allele CA10635390.
Genomic context (GRCh38, chr10:49,456,678, plus strand): 5'-ACATTTTTAATGGTGATAGTATTAACATTTAATTTTTTGACAAAATTTTAAAATCCTTTA[T>C]TTGTGCTGATAAAGCATGTTAAATACATTAAATCTATTTACACTGTACAAAGCTTTTAAA-3'